The following is an entry in ClinVar:

NM_001166114.2(PNPLA6):c.2488G>C (p.Gly830Arg)

Gene: PNPLA6 (patatin like domain 6, lysophospholipase; plus strand). Cytogenetic location: 19p13.2.
Variant type: single nucleotide variant.
Coding change: c.2488G>C on transcript NM_001166114.2 (MANE Select); coding-DNA position 2488, G replaced by C.
Protein change: p.Gly830Arg; replaces glycine 830 with arginine.
Molecular consequence: missense variant.
Genome position (GRCh38, 1-based): chr19:7,554,577, G>C. VCF-style: chr19-7554577-G-C. GRCh37 (hg19) VCF-style: chr19-7619463-G-C.
Other names: p.Gly792Arg; c.2518G>C, p.Gly840Arg (NM_001166111.2); c.2293G>C, p.Gly765Arg (NM_001166112.2); c.2374G>C, p.Gly792Arg (NM_001166113.1, NM_006702.5); short protein forms G792R, G830R, G840R, G765R.
Identifiers: ClinVar variation 537335 (VCV000537335.16), dbSNP rs1244234383, ClinGen allele CA403128564.

ClinVar aggregate classification (germline): Uncertain significance. Review status: criteria provided, multiple submitters, no conflicts (2 of 4 stars). 4 submissions from 4 submitters: Uncertain significance (4). Last evaluated 2024-11-11.

Conditions:
Hereditary spastic paraplegia 39 (SPG39). Also called: SPASTIC PARAPLEGIA 39, AUTOSOMAL RECESSIVE; Spastic Paraplegia Type 39 (SPG39). Identifiers: Orphanet 139480, MedGen C2677586, MONDO:0012787, OMIM 612020.

Allele frequency attached by ClinVar (database versions not stated): TOPMed 0.00001; gnomAD 0.00002.

Submissions (4):

Labcorp Genetics (formerly Invitae), Labcorp
Classification: Uncertain significance for Hereditary spastic paraplegia 39. Last evaluated: 2024-11-11. Review status: criteria provided, single submitter. Criteria: Invitae Variant Classification Sherloc (09022015). Collection method: clinical testing. Allele origin: germline.
Comment: This sequence change replaces glycine, which is neutral and non-polar, with arginine, which is basic and polar, at codon 792 of the PNPLA6 protein (p.Gly792Arg). This variant is present in population databases (no rsID available, gnomAD 0.02%). This missense change has been observed in individual(s) with clinical features of hereditary spastic paraplegia (PMID: 34103343). ClinVar contains an entry for this variant (Variation ID: 537335). Invitae Evidence Modeling of protein sequence and biophysical properties (such as structural, functional, and spatial information, amino acid conservation, physicochemical variation, residue mobility, and thermodynamic stability) indicates that this missense variant is not expected to disrupt PNPLA6 protein function with a negative predictive value of 80%. In summary, the available evidence is currently insufficient to determine the role of this variant in disease. Therefore, it has been classified as a Variant of Uncertain Significance.

Blueprint Genetics
Classification: Uncertain significance. Last evaluated: 2022-02-25. Review status: criteria provided, single submitter. Criteria: ACMG Guidelines, 2015. Collection method: clinical testing. Allele origin: germline.

Mayo Clinic Laboratories, Mayo Clinic
Classification: Uncertain significance. Last evaluated: 2021-10-21. Review status: criteria provided, single submitter. Criteria: ACMG Guidelines, 2015. Collection method: clinical testing. Allele origin: germline.

GeneDx
Classification: Uncertain significance. Last evaluated: 2019-10-04. Review status: criteria provided, single submitter. Criteria: GeneDx Variant Classification Process June 2021. Collection method: clinical testing. Allele origin: germline. Affected: yes.
Comment: In silico analysis, which includes protein predictors and evolutionary conservation, supports that this variant does not alter protein structure/function; Has not been previously published as pathogenic or benign to our knowledge; A different missense change at this residue (G792E) has been reported in the published literature (Synofzik et al., 2014)

Literature cited by the submitters: PubMed 34103343 (cited by Labcorp Genetics (formerly Invitae), Labcorp).